The following is an entry in ClinVar:

ClinVar aggregate classification (germline): Uncertain significance (1 of 4 stars; one submission).

Conditions:
Sulfite oxidase deficiency due to molybdenum cofactor deficiency type A. Also called: Molybdenum cofactor deficiency, complementation group A; Molybdenum Cofactor Deficiency A. Identifiers: Orphanet 308386, Orphanet 833, MedGen C1854988, MONDO:0009643, OMIM 252150.

gnomAD v4.1: 1 of 1,612,714 alleles (0.000062%); highest among the groups gnomAD compares: East Asian, 0.0022%; no homozygotes.

Submission:

Neuberg Centre For Genomic Medicine, NCGM
Classification: Uncertain significance for Sulfite oxidase deficiency due to molybdenum cofactor deficiency type A. Review status: criteria provided, single submitter. Criteria: ACMG Guidelines, 2015. Collection method: clinical testing. Allele origin: germline. Inheritance: Autosomal recessive inheritance. Affected: yes.
Comment: The missense variant c.377G>T (p.Gly126Val) in MOCS1 gene has not been reported previously as a pathogenic variant nor as a benign variant, to our knowledge. The p.Gly126Val variant has allele frequency of 0.0032% in the gnomad and novel in 1000 genome database. This variant has not been reported to the ClinVar database. The amino acid Gly at position 126 is changed to a Val changing protein sequence and it might alter its composition and physico-chemical properties. The amino acid change p.Gly126Val in MOCS1 is predicted as conserved by GERP++ and PhyloP across 100 vertebrates. For these reasons, this variant has been classified as Uncertain Significance (VUS).

NM_001358530.2(MOCS1):c.377G>T (p.Gly126Val)

Gene: MOCS1 (molybdenum cofactor synthesis 1; minus strand). Cytogenetic location: 6p21.2.
Variant type: single nucleotide variant.
Coding change: c.377G>T on transcript NM_001358530.2 (MANE Select); coding-DNA position 377, G replaced by T.
Protein change: p.Gly126Val; replaces glycine 126 with valine.
Molecular consequence: missense variant. On other transcripts: non-coding transcript variant (1).
Genome position (GRCh38, 1-based): chr6:39,925,719, C>A on the plus strand (G>T on the coding strand, the complement: MOCS1 is on the minus strand). VCF-style: chr6-39925719-C-A. GRCh37 (hg19) VCF-style: chr6-39893463-C-A.
Other names: c.377G>T, p.Gly126Val (NM_001075098.4, NM_001358529.2, NM_005943.6); c.116G>T, p.Gly39Val (NM_001358531.2, NM_001358533.2, NM_001358534.2); short protein forms G126V, G39V.
Identifiers: ClinVar variation 2584875 (VCV002584875.1), dbSNP rs372246702, ClinGen allele CA364044685.